The following is an entry in ClinVar:

ClinVar aggregate classification (germline): Likely pathogenic (1 of 4 stars; one submission).

Conditions:
Glycogen storage disease type III (GSD3). Also called: FORBES DISEASE; Cori disease. Identifiers: Orphanet 366, MedGen C0017922, MONDO:0009291, OMIM 232400.

Submission:

Myriad Genetics, Inc.
Classification: Likely pathogenic for Glycogen storage disease type III. Last evaluated: 2022-05-18. Review status: criteria provided, single submitter. Criteria: Myriad Women's Health Autosomal Recessive and X-Linked Classification Criteria (2021). Collection method: clinical testing. Allele origin: unknown.
Comment: NM_000642.2(AGL):c.2530dupA(S844Kfs*8) is expected to be pathogenic in the context of glycogen storage disease type III. This variant is predicted to lead to an abnormal or absent protein product due to the creation of a premature termination codon in AGL, a gene where loss-of-function variants are known to be pathogenic. Please note: this variant was assessed in the context of healthy population screening.

NM_000642.3(AGL):c.2530dup (p.Ser844fs)

Gene: AGL (amylo-alpha-1,6-glucosidase and 4-alpha-glucanotransferase; plus strand). Cytogenetic location: 1p21.2.
Variant type: Duplication.
Coding change: c.2530dup on transcript NM_000642.3 (MANE Select); coding-DNA position 2530, one base duplicated (A; older notation c.2530dupA).
Protein change: p.Ser844fs; shifts the reading frame from serine 844.
Molecular consequence: frameshift variant.
Genome position (GRCh38, 1-based): chr1:99,884,435, A duplicated; the last of 2 consecutive A bases (chr1:99,884,434-99,884,435); duplicating either gives the same sequence. VCF-style (leftmost placement, unchanged base first): chr1-99884433-G-GA. GRCh37 (hg19) VCF-style: chr1-100349989-G-GA.
Other names: c.2530dup, p.Ser844Lysfs (NM_000028.3, NM_000643.3, NM_000644.3 and 2 more transcripts); c.2482dup, p.Ser828Lysfs (NM_000646.3); c.2329dup, p.Ser777Lysfs (NM_001425327.1); c.2326dup, p.Ser776Lysfs (NM_001425328.1, NM_001425329.1); c.2152dup, p.Ser718Lysfs (NM_001425332.1); short protein forms S828fs, S844fs.
Identifiers: ClinVar variation 1726154 (VCV001726154.2), dbSNP rs2524675538, ClinGen allele CA2580063438.